The following is an entry in ClinVar:

ClinVar aggregate classification (germline): Uncertain significance (1 of 4 stars; one submission).

Conditions:
Dilated cardiomyopathy 1G (CMD1G). Identifiers: Orphanet 154, MedGen C1858763, MONDO:0011400, OMIM 604145.
Autosomal recessive limb-girdle muscular dystrophy type 2J (LGMDR10). Also called: Limb-girdle muscular dystrophy, type 2J; MUSCULAR DYSTROPHY, LIMB-GIRDLE, AUTOSOMAL RECESSIVE 10. Identifiers: Orphanet 140922, MedGen C1837342, MONDO:0012127, OMIM 608807.

Submission:

Labcorp Genetics (formerly Invitae), Labcorp
Classification: Uncertain significance for Dilated cardiomyopathy 1G; Autosomal recessive limb-girdle muscular dystrophy type 2J. Last evaluated: 2023-09-08. Review status: criteria provided, single submitter. Criteria: Invitae Variant Classification Sherloc (09022015). Collection method: clinical testing. Allele origin: germline.
Comment: This variant is located in the M band of TTN (PMID: 25589632). Variants in this region may be relevant for neuromuscular disorders, but have not been definitively shown to cause cardiomyopathy (PMID: 23975875). In summary, the available evidence is currently insufficient to determine the role of this variant in disease. Therefore, it has been classified as a Variant of Uncertain Significance. Experimental studies and prediction algorithms are not available or were not evaluated, and the functional significance of this variant is currently unknown. This variant has not been reported in the literature in individuals affected with TTN-related conditions. This variant is not present in population databases (gnomAD no frequency). This sequence change replaces tyrosine, which is neutral and polar, with histidine, which is basic and polar, at codon 33816 of the TTN protein (p.Tyr33816His).

Literature cited by the submitters: PubMed 25589632; PubMed 23975875.

NM_001267550.2(TTN):c.101446T>C (p.Tyr33816His)

Genes: TTN-AS1 (TTN antisense RNA 1; plus strand), TTN (titin; minus strand). Cytogenetic location: 2q31.2.
Variant type: single nucleotide variant.
Coding change: c.101446T>C on transcript NM_001267550.2 (MANE Select); coding-DNA position 101446, T replaced by C.
Protein change: p.Tyr33816His; replaces tyrosine 33816 with histidine.
Molecular consequence: missense variant.
Genome position (GRCh38, 1-based): chr2:178,535,169, A>G on the plus strand (T>C on the coding strand, the complement: TTN is on the minus strand). VCF-style: chr2-178535169-A-G. GRCh37 (hg19) VCF-style: chr2-179399896-A-G.
Other names: c.96523T>C, p.Tyr32175His (NM_001256850.1); c.74251T>C, p.Tyr24751His (NM_003319.4); c.93742T>C, p.Tyr31248His (NM_133378.4); c.74626T>C, p.Tyr24876His (NM_133432.3); c.74827T>C, p.Tyr24943His (NM_133437.4); short protein forms Y24943H, Y31248H, Y24751H, Y24876H, Y32175H, Y33816H.
Identifiers: ClinVar variation 2951700 (VCV002951700.3), dbSNP rs2468565731, ClinGen allele CA349420693.